The following is an entry in ClinVar:

ClinVar aggregate classification (germline): Uncertain significance (1 of 4 stars; one submission).

gnomAD v4.1: 1 of 1,613,776 alleles (0.000062%); no homozygotes.

Submission:

GeneDx
Classification: Uncertain significance. Last evaluated: 2021-11-08. Review status: criteria provided, single submitter. Criteria: GeneDx Variant Classification Process June 2021. Collection method: clinical testing. Allele origin: germline. Affected: yes.
Comment: Not observed at significant frequency in large population cohorts (gnomAD); In silico analysis supports that this missense variant has a deleterious effect on protein structure/function; Has not been previously published as pathogenic or benign to our knowledge

NM_001961.4(EEF2):c.1538A>T (p.Asn513Ile)

Gene: EEF2 (eukaryotic translation elongation factor 2; minus strand). Cytogenetic location: 19p13.3.
Variant type: single nucleotide variant.
Coding change: c.1538A>T on transcript NM_001961.4 (MANE Select); coding-DNA position 1538, A replaced by T.
Protein change: p.Asn513Ile; replaces asparagine 513 with isoleucine.
Molecular consequence: missense variant.
Genome position (GRCh38, 1-based): chr19:3,979,875, T>A on the plus strand (A>T on the coding strand, the complement: EEF2 is on the minus strand). VCF-style: chr19-3979875-T-A. GRCh37 (hg19) VCF-style: chr19-3979873-T-A.
Other names: short protein forms N513I.
Identifiers: ClinVar variation 1683923 (VCV001683923.2), dbSNP rs2145359785, ClinGen allele CA403391943.